The following is an entry in ClinVar:

NM_006941.4(SOX10):c.429-14C>T

Genes: POLR2F (RNA polymerase II, I and III subunit F; plus strand), SOX10 (SRY-box transcription factor 10; minus strand). Cytogenetic location: 22q13.1.
Variant type: single nucleotide variant.
Coding change: c.429-14C>T on transcript NM_006941.4 (MANE Select); 14 bases into the intron before coding-DNA position 429, C replaced by T.
Molecular consequence: intron variant.
Genome position (GRCh38, 1-based): chr22:37,978,149, G>A on the plus strand (C>T on the coding strand, the complement: SOX10 is on the minus strand). VCF-style: chr22-37978149-G-A. GRCh37 (hg19) VCF-style: chr22-38374156-G-A.
Other names: c.*38+5839G>A (NM_001363825.1); c.294-8005G>A (NM_001301130.2); c.293+10979G>A (NM_001301131.2).
Identifiers: ClinVar variation 3345559 (VCV003345559.1).

ClinVar aggregate classification (germline): Likely benign (0 of 4 stars; one submission).

Conditions:
SOX10-related disorder. Also called: SOX10-related condition.

gnomAD v4.1: 6 of 1,542,294 alleles (0.00039%); highest among the groups gnomAD compares: Non-Finnish European, 0.00052%; no homozygotes.

Submission:

PreventionGenetics, part of Exact Sciences
Classification: Likely benign for SOX10-related condition. Last evaluated: 2024-07-20. Review status: no assertion criteria provided. Collection method: clinical testing. Allele origin: germline.
Comment: This variant is classified as likely benign based on ACMG/AMP sequence variant interpretation guidelines (Richards et al. 2015 PMID: 25741868, with internal and published modifications).